The following is an entry in ClinVar:

NM_130384.3(ATRIP):c.1168G>T (p.Ala390Ser)

Genes: ATRIP (ATR interacting protein; plus strand), ATRIP-TREX1 (ATRIP-TREX1 readthrough; plus strand). Cytogenetic location: 3p21.31.
Variant type: single nucleotide variant.
Coding change: c.1168G>T on transcript NM_130384.3 (MANE Select); coding-DNA position 1168, G replaced by T.
Protein change: p.Ala390Ser; replaces alanine 390 with serine.
Molecular consequence: missense variant. On other transcripts: non-coding transcript variant (1).
Genome position (GRCh38, 1-based): chr3:48,460,222, G>T. VCF-style: chr3-48460222-G-T. GRCh37 (hg19) VCF-style: chr3-48501621-G-T.
Other names: c.1168G>T (NM_130384.1); c.787G>T, p.Ala263Ser (NM_001271022.2); c.889G>T, p.Ala297Ser (NM_001271023.2); c.1168G>T, p.Ala390Ser (NM_032166.4); short protein forms A263S, A297S, A390S.
Identifiers: ClinVar variation 3691049 (VCV003691049.3).
Genomic context (GRCh38, chr3:48,460,222, plus strand): 5'-TTTTCCCTCTCAGCCCTGAGAGAAGCACAGAACCTGGCATTCACTGGACTGAATCTGGTT[G>T]CCCGGAATGAGTGCTCACGTGATGGAGACCCAGCAGAGGGAGGCAGAAGGGCCTTCCCAC-3'
Protein context (NP_569055.1, residues 380-400): NLAFTGLNLV[Ala390Ser]RNECSRDGDP

ClinVar aggregate classification (germline): Uncertain significance. Review status: criteria provided, multiple submitters, no conflicts (2 of 4 stars). 2 submissions from 2 submitters: Uncertain significance (2). Last evaluated 2025-02-22.

Submissions (2):

Ambry Genetics
Classification: Uncertain significance. Last evaluated: 2025-02-22. Review status: criteria provided, single submitter. Criteria: Ambry Variant Classification Scheme 2023. Collection method: clinical testing. Allele origin: germline.
Comment: The p.A390S variant (also known as c.1168G>T), located in coding exon 8 of the ATRIP gene, results from a G to T substitution at nucleotide position 1168. The alanine at codon 390 is replaced by serine, an amino acid with similar properties. This amino acid position is conserved. In addition, this alteration is predicted to be tolerated by in silico analysis. Based on the available evidence, the clinical significance of this variant remains unclear.

Labcorp Genetics (formerly Invitae), Labcorp
Classification: Uncertain significance. Last evaluated: 2024-10-23. Review status: criteria provided, single submitter. Criteria: Invitae Variant Classification Sherloc (09022015). Collection method: clinical testing. Allele origin: germline.
Comment: This sequence change replaces alanine, which is neutral and non-polar, with serine, which is neutral and polar, at codon 390 of the ATRIP protein (p.Ala390Ser). This variant is not present in population databases (gnomAD no frequency). This variant has not been reported in the literature in individuals affected with ATRIP-related conditions. An algorithm developed to predict the effect of missense changes on protein structure and function outputs the following: PolyPhen-2: "Possibly Damaging". The serine amino acid residue is found in multiple mammalian species, which suggests that this missense change does not adversely affect protein function. In summary, the available evidence is currently insufficient to determine the role of this variant in disease. Therefore, it has been classified as a Variant of Uncertain Significance.